The following is an entry in ClinVar:

NM_199420.4(POLQ):c.3704T>A (p.Ile1235Asn)

Gene: POLQ (DNA polymerase theta; minus strand). Cytogenetic location: 3q13.33.
Variant type: single nucleotide variant.
Coding change: c.3704T>A on transcript NM_199420.4 (MANE Select); coding-DNA position 3704, T replaced by A.
Protein change: p.Ile1235Asn; replaces isoleucine 1235 with asparagine.
Molecular consequence: missense variant.
Genome position (GRCh38, 1-based): chr3:121,489,227, A>T on the plus strand (T>A on the coding strand, the complement: POLQ is on the minus strand). VCF-style: chr3-121489227-A-T. GRCh37 (hg19) VCF-style: chr3-121208074-A-T.
Other names: short protein forms I1235N.
Identifiers: ClinVar variation 1734132 (VCV001734132.3), dbSNP rs2048041761, ClinGen allele CA354097903.

ClinVar aggregate classification (germline): Uncertain significance (1 of 4 stars; one submission).

Allele frequency attached by ClinVar (database versions not stated): TOPMed below 0.00001.

Submission:

Ambry Genetics
Classification: Uncertain significance. Last evaluated: 2024-06-07. Review status: criteria provided, single submitter. Criteria: Ambry Variant Classification Scheme 2023. Collection method: clinical testing. Allele origin: germline.
Comment: The p.I1235N variant (also known as c.3704T>A), located in coding exon 16 of the POLQ gene, results from a T to A substitution at nucleotide position 3704. The isoleucine at codon 1235 is replaced by asparagine, an amino acid with dissimilar properties. This amino acid position is conserved. In addition, this alteration is predicted to be tolerated by in silico analysis. Since supporting evidence is limited at this time, the clinical significance of this alteration remains unclear.